The following is an entry in ClinVar:

NM_000059.4(BRCA2):c.681+2dup

Gene: BRCA2 (BRCA2 DNA repair associated; plus strand). Cytogenetic location: 13q13.1.
Variant type: Duplication.
Coding change: c.681+2dup on transcript NM_000059.4 (MANE Select); the canonical splice donor site of the intron after coding-DNA position 681, one base duplicated (T; older notation c.681+2dupT).
Molecular consequence: splice donor variant.
Genome position (GRCh38, 1-based): chr13:32,329,494, T duplicated. VCF-style (leftmost placement, unchanged base first): chr13-32329493-G-GT. GRCh37 (hg19) VCF-style: chr13-32903630-G-GT.
Other names: c.681+2dupT (NM_000059.3).
Identifiers: ClinVar variation 141090 (VCV000141090.21), dbSNP rs587781486, ClinGen allele CA024430.

ClinVar aggregate classification (germline): Conflicting classifications of pathogenicity. Review status: criteria provided, conflicting classifications (1 of 4 stars). 6 submissions from 6 submitters: Pathogenic (1); Likely pathogenic (4); Uncertain significance (1). Last evaluated 2025-06-02.

Conditions:
BRCA2-related disorder. Also called: BRCA2-related condition; BRCA2-related disorders. Identifiers: MedGen CN239275.
BRCA2-related cancer predisposition. Identifiers: MedGen CN377758, MONDO:0700269.
Hereditary cancer-predisposing syndrome. Also called: Tumor predisposition; Neoplastic Syndromes, Hereditary; Hereditary neoplastic syndrome; Hereditary Cancer Syndrome. Identifiers: Orphanet 140162, MedGen C0027672, MeSH D009386, MONDO:0015356.
Hereditary breast ovarian cancer syndrome. Also called: Hereditary breast and ovarian cancer syndrome; Hereditary breast and ovarian cancer; Hereditary breast and ovarian cancer syndrome (HBOC); Hereditary breast and/or ovarian cancer syndrome; BRCA1- and BRCA2-Associated Hereditary Breast and Ovarian Cancer; Breast and ovarian cancer. Identifiers: Orphanet 145, MedGen C0677776, MeSH D061325, MONDO:0003582. Disease mechanism: loss of function.

Allele frequency attached by ClinVar (database versions not stated): gnomAD exomes below 0.00001.

Submissions (6):

PreventionGenetics, part of Exact Sciences
Classification: Likely pathogenic for BRCA2-related condition. Last evaluated: 2025-06-02. Review status: criteria provided, single submitter. Criteria: ACMG Guidelines, 2015. Collection method: clinical testing. Allele origin: germline.
Comment: The BRCA2 c.681+2dupT variant is predicted to result in an intronic duplication. This variant was reported in cohort of individuals undergoing RNA genetic testing for hereditary cancer (Karam et al. 2019. PubMed ID: 31642931). This variant has conflicting interpretations in ClinVar ranging from uncertain to pathogenic, and has not been reported in a large population database (gnomAD), indicating this variant is rare. RNA studies indicate that this variant disrupts normal splicing, resulting in several splice variants that may result in a truncated protein product and loss of BRCA2 protein function (Karam et al. 2019. PubMed ID: 31642931). Loss-of-function variants in BRCA2 are expected to be pathogenic. This variant is classified as likely pathogenic.

Ambry Genetics
Classification: Uncertain significance for Hereditary cancer-predisposing syndrome. Last evaluated: 2025-01-24. Review status: criteria provided, single submitter. Criteria: Ambry Variant Classification Scheme 2023. Collection method: clinical testing. Allele origin: germline.
Comment: The c.681+2dupT intronic variant results from a duplication of one nucleotide two nucleotides after coding exon 6 of the BRCA2 gene. This nucleotide position is highly conserved in available vertebrate species. In silico splice site analysis predicts that this alteration will weaken the native splice donor site and will result in the creation or strengthening of a novel splice donor site. Alterations that disrupt the canonical splice site are expected to cause aberrant splicing, resulting in an abnormal protein or a transcript that is subject to nonsense-mediated mRNA decay. However, RNA studies have demonstrated that this alteration results a combination of in-frame transcript and out of frame transcripts (Ambry internal data). Data show that one of these observed transcripts, an in-frame deletion of 68 amino acids, is able to rescue Brca2-null mouse embryonic stem cell survival defects and has near normal homology directed DNA repair function (Mesman RLS et al. Genet Med, 2020 08;22:1355-1365). Therefore, the clinical impact of this abnormal splicing is unknown at this time. Based on the available evidence, the clinical significance of this variant remains unclear.

All of Us Research Program, National Institutes of Health
Classification: Likely pathogenic for BRCA2-related cancer predisposition. Last evaluated: 2024-09-23. Review status: criteria provided, single submitter. Criteria: ACMG Guidelines, 2015. Collection method: clinical testing. Allele origin: germline. Inheritance: Autosomal dominant inheritance. Observed: 1 variant allele, 1 heterozygote.
Comment: The c.681+2dup variant in the BRCA2 gene is located on the intron 8 and is predicted to result in donor loss (SpliceAI delta score: 0.82), and may lead to alternative splicing and a disrupted protein product. Loss-of-function variants in the BRCA2 gene are known to cause hereditary breast and ovarian cancer (PMID: 8988179, 11897832, 29446198). This variant has been has been classified as likely pathogenic/pathogenic by multiple submitters in ClinVar (ID: 141090). This variant is absent in the general population according to gnomAD. Therefore, the c.681+2dup variant in the BRCA2 gene has been classified as likely pathogenic.

This study involves interpretation of variants in research participants for the purpose of population health screening. Participant phenotype was not available at the time of variant classification. Additional details can be found in publication PMID: 35346344, PMCID: PMC8962531

Labcorp Genetics (formerly Invitae), Labcorp
Classification: Pathogenic for Hereditary breast ovarian cancer syndrome. Last evaluated: 2024-01-02. Review status: criteria provided, single submitter. Criteria: Invitae Variant Classification Sherloc (09022015). Collection method: clinical testing. Allele origin: germline.
Comment: This sequence change falls in intron 8 of the BRCA2 gene. It does not directly change the encoded amino acid sequence of the BRCA2 protein. RNA analysis indicates that this variant induces altered splicing and may result in an absent or disrupted protein product. This variant is not present in population databases (gnomAD no frequency). This variant has not been reported in the literature in individuals affected with BRCA2-related conditions. ClinVar contains an entry for this variant (Variation ID: 141090). Variants that disrupt the consensus splice site are a relatively common cause of aberrant splicing (PMID: 17576681, 9536098). Studies have shown that this variant results in skipping of exon 8 and introduces a premature termination codon (Invitae). The resulting mRNA is expected to undergo nonsense-mediated decay. For these reasons, this variant has been classified as Pathogenic.

Women's Health and Genetics/Laboratory Corporation of America, LabCorp
Classification: Likely pathogenic for Hereditary breast ovarian cancer syndrome. Last evaluated: 2023-05-17. Review status: criteria provided, single submitter. Criteria: LabCorp Variant Classification Summary - May 2015. Collection method: clinical testing. Allele origin: germline.
Comment: Variant summary: BRCA2 c.681+2dupT alters a conserved nucleotide located close to a canonical splice site and therefore could affect mRNA splicing, leading to a significantly altered protein sequence. Several computational tools predict a significant impact on normal splicing: Four predict the variant abolishes a 5' splicing donor site. At least one publication reports experimental evidence that this variant affects mRNA splicing (Karam_2019). The variant was absent in 243714 control chromosomes. c.681+2dupT has been reported in the literature in individuals affected with Hereditary Breast And Ovarian Cancer Syndrome (Petridis_2019). The following publications have been ascertained in the context of this evaluation (PMID: 31642931, 31263054). Three clinical diagnostic laboratories have submitted clinical-significance assessments for this variant to ClinVar after 2014 without evidence for independent evaluation. All laboratories classified the variant as pathogenic/likely pathogenic. Based on the evidence outlined above, the variant was classified as likely pathogenic.

Color Diagnostics, LLC DBA Color Health
Classification: Likely pathogenic for Hereditary cancer-predisposing syndrome. Last evaluated: 2022-03-04. Review status: criteria provided, single submitter. Criteria: ACMG Guidelines, 2015. Collection method: clinical testing. Allele origin: germline.
Comment: This variant causes a 1 nucleotide insertion at the +2 position in intron 8 of the BRCA2 gene. Splice site prediction tools predict that this variant may have a significant impact on RNA splicing. Although this prediction has not been confirmed in published RNA studies, this variant is expected to result in an absent or disrupted protein product. This variant has not been identified in the general population by the Genome Aggregation Database (gnomAD). Loss of BRCA2 function is a known mechanism of disease. Based on the available evidence, this variant is classified as Likely Pathogenic.

Literature cited by the submitters: PubMed 8988179 (cited by All of Us Research Program, National Institutes of Health); PubMed 11897832 (cited by All of Us Research Program, National Institutes of Health); PubMed 29446198 (cited by All of Us Research Program, National Institutes of Health); PubMed 17576681 (cited by Labcorp Genetics (formerly Invitae), Labcorp); PubMed 9536098 (cited by Labcorp Genetics (formerly Invitae), Labcorp); PubMed 31642931 (cited by Women's Health and Genetics/Laboratory Corporation of America, LabCorp); PubMed 31263054 (cited by Women's Health and Genetics/Laboratory Corporation of America, LabCorp).